The following is an entry in ClinVar:

ClinVar aggregate classification (germline): Conflicting classifications of pathogenicity. Review status: criteria provided, conflicting classifications (1 of 4 stars). 3 submissions from 3 submitters: Uncertain significance (1); Likely benign (1). 1 of the submissions does not count toward it. Last evaluated 2025-01-30.

Conditions:
CHD7-related disorder. Also called: CHD7-related condition.
CHARGE syndrome (CHARGE). Also called: Hittner Hirsch Kreh syndrome; CHARGE ASSOCIATION--COLOBOMA, HEART ANOMALY, CHOANAL ATRESIA, RETARDATION, GENITAL AND EAR ANOMALIES; Coloboma, heart anomaly, choanal atresia, retardation, genital and ear anomalies; CHARGE association; Hall-Hittner syndrome. Identifiers: Orphanet 138, MedGen C0265354, MONDO:0008965.

Allele frequency attached by ClinVar (database versions not stated): gnomAD 0.00001; gnomAD exomes 0.00001; ExAC 0.00002; ESP Exome Variant Server 0.00008.
gnomAD v4.1: 13 of 1,613,002 alleles (0.00081%); highest among the groups gnomAD compares: South Asian, 0.0044%; no homozygotes.

Submissions (3):

Labcorp Genetics (formerly Invitae), Labcorp
Classification: Likely benign for CHARGE syndrome. Last evaluated: 2025-01-30. Review status: criteria provided, single submitter. Criteria: Invitae Variant Classification Sherloc (09022015). Collection method: clinical testing. Allele origin: germline.

CeGaT Center for Human Genetics Tuebingen
Classification: Uncertain significance. Last evaluated: 2024-02-01. Review status: criteria provided, single submitter. Criteria: CeGaT Center For Human Genetics Tuebingen Variant Classification Criteria Version 2. Collection method: clinical testing. Allele origin: germline. Affected: yes. Observed: 1 variant allele.
Comment: CHD7: PM5

PreventionGenetics, part of Exact Sciences
Classification: Uncertain significance for CHD7-related condition. Last evaluated: 2023-10-23. Review status: no assertion criteria provided. Collection method: clinical testing. Allele origin: germline. Not counted in ClinVar's aggregate classification.
Comment: The CHD7 c.7192C>T variant is predicted to result in the amino acid substitution p.Arg2398Cys. To our knowledge, this variant has not been reported in the literature. This variant is reported in 0.0033% of alleles in individuals of South Asian descent in gnomAD. At this time, the clinical significance of this variant is uncertain due to the absence of conclusive functional and genetic evidence.

NM_017780.4(CHD7):c.7192C>T (p.Arg2398Cys)

Gene: CHD7 (chromodomain helicase DNA binding protein 7; plus strand). Cytogenetic location: 8q12.2.
Variant type: single nucleotide variant.
Coding change: c.7192C>T on transcript NM_017780.4 (MANE Select); coding-DNA position 7192, C replaced by T.
Protein change: p.Arg2398Cys; replaces arginine 2398 with cysteine.
Molecular consequence: missense variant. On other transcripts: intron variant (1).
Genome position (GRCh38, 1-based): chr8:60,856,472, C>T. VCF-style: chr8-60856472-C-T. GRCh37 (hg19) VCF-style: chr8-61769031-C-T.
Other names: c.1717-5757C>T (NM_001316690.1); c.7192C>T (NM_017780.3); short protein forms R2398C.
Identifiers: ClinVar variation 3025913 (VCV003025913.25), dbSNP rs370086501, ClinGen allele CA4760769.